The following is an entry in ClinVar:

NM_001754.5(RUNX1):c.1076C>G (p.Pro359Arg)

Gene: RUNX1 (RUNX family transcription factor 1; minus strand). Cytogenetic location: 21q22.12.
Variant type: single nucleotide variant.
Coding change: c.1076C>G on transcript NM_001754.5 (MANE Select); coding-DNA position 1076, C replaced by G.
Protein change: p.Pro359Arg; replaces proline 359 with arginine.
Molecular consequence: missense variant.
Genome position (GRCh38, 1-based): chr21:34,792,502, G>C on the plus strand (C>G on the coding strand, the complement: RUNX1 is on the minus strand). VCF-style: chr21-34792502-G-C. GRCh37 (hg19) VCF-style: chr21-36164799-G-C.
Other names: NM_001754.5(RUNX1):c.1076C>G; p.Pro359Arg; c.995C>G, p.Pro332Arg (NM_001001890.3); short protein forms P332R, P359R.
Identifiers: ClinVar variation 655133 (VCV000655133.10), dbSNP rs1601333461, ClinGen allele CA410148208.
Genomic context (GRCh38, chr21:34,792,502, plus strand): 5'-GTGTGGTAGCGCGTGGCCGAGCCCATGGCCGACATGCCGATGCCGATGCCCGAGGTGACC[G>C]GCGTCGGGGAGTAGGTGAAGGCGCCTGGATAGTGCATGCGGGGGTCGGAGATGGAGGGCA-3'
Protein context (NP_001745.2, residues 349-369): YPGAFTYSPT[Pro359Arg]VTSGIGIGMS

ClinVar aggregate classification (germline): Uncertain significance. Review status: reviewed by expert panel (3 of 4 stars). 3 submissions from 3 submitters: Uncertain significance (1). 2 of the submissions do not count toward it. Last evaluated 2024-07-11.

Conditions:
Hereditary thrombocytopenia and hematologic cancer predisposition syndrome. Identifiers: Orphanet 71290, MedGen CN281654, MONDO:0011071.
Hereditary thrombocytopenia and hematological cancer predisposition syndrome associated with RUNX1. Also called: Familial Platelet Disorder with Propensity to Acute Myelogenous Leukemia; Familial thrombocytopenia with propensity to acute myelogenous leukemia; RUNX1 Familial Platelet Disorder with Associated Myeloid Malignancies; PLATELET DISORDER, ASPIRIN-LIKE. Identifiers: Orphanet 71290, MedGen C1832388, MeSH C563324, MONDO:0100083, OMIM 601399.
Inborn genetic diseases. Identifiers: MedGen C0950123, MeSH D030342.

gnomAD v4.1: 5 of 1,598,476 alleles (0.00031%); highest among the groups gnomAD compares: Middle Eastern, 0.033%; no homozygotes.

Submissions (3):

ClinGen Myeloid Malignancy Variant Curation Expert Panel
Classification: Uncertain significance for Hereditary thrombocytopenia and hematologic cancer predisposition syndrome. Last evaluated: 2024-07-11. Review status: reviewed by expert panel. Criteria: ClinGen MyeloMalig ACMG Specifications v2. Collection method: curation. Allele origin: germline. Inheritance: Autosomal dominant inheritance.
Comment: NM_001754.5(RUNX1):c.1076C>G (p.Pro359Arg) is a missense variant in which transactivation assays demonstrate normal transactivation (80-115% of wt) (BS3_Supporting; PMID: 34166225). This variant is not present in population databases (gnomAD v2.1 or v3.1.2) (PM2_supporting). In summary, the clinical significance of this variant is uncertain. ACMG/AMP criteria applied, as specified by the Myeloid Malignancy Variant Curation Expert Panel for RUNX1: PM2_supporting, BS3_supporting.

Ambry Genetics
Classification: Uncertain significance for Inborn genetic diseases. Last evaluated: 2025-02-12. Review status: criteria provided, single submitter. Criteria: Ambry Variant Classification Scheme 2023. Collection method: clinical testing. Allele origin: germline. Not counted in ClinVar's aggregate classification.
Comment: The p.P359R variant (also known as c.1076C>G), located in coding exon 8 of the RUNX1 gene, results from a C to G substitution at nucleotide position 1076. The proline at codon 359 is replaced by arginine, an amino acid with dissimilar properties. This variant has been reported in 1/1120 pediatric cancer patients who underwent whole genome sequencing and/or whole exome sequencing; this patient was diagnosed with acute megakaryoblastic leukemia (Zhang J et al. N Engl J Med, 2015 Dec;373:2336-2346). In one functional study, this variant was found to have levels of transcriptional activity that were similar to wild-type (Li Y et al. J Clin Invest, 2021 Jun;131:). This amino acid position is well conserved in available vertebrate species. In addition, this alteration is predicted to be deleterious by in silico analysis. Based on the available evidence, the clinical significance of this variant remains unclear.

Labcorp Genetics (formerly Invitae), Labcorp
Classification: Uncertain significance for Hereditary thrombocytopenia and hematological cancer predisposition syndrome associated with RUNX1. Last evaluated: 2023-08-24. Review status: criteria provided, single submitter. Criteria: Invitae Variant Classification Sherloc (09022015). Collection method: clinical testing. Allele origin: germline. Not counted in ClinVar's aggregate classification.
Comment: In summary, the available evidence is currently insufficient to determine the role of this variant in disease. Therefore, it has been classified as a Variant of Uncertain Significance. Experimental studies have shown that this missense change does not substantially affect RUNX1 function (PMID: 34166225). Advanced modeling of protein sequence and biophysical properties (such as structural, functional, and spatial information, amino acid conservation, physicochemical variation, residue mobility, and thermodynamic stability) performed at Invitae indicates that this missense variant is not expected to disrupt RUNX1 protein function. ClinVar contains an entry for this variant (Variation ID: 655133). This missense change has been observed in individual(s) with acute lymphoblastic leukemia (PMID: 34166225). This variant is not present in population databases (gnomAD no frequency). This sequence change replaces proline, which is neutral and non-polar, with arginine, which is basic and polar, at codon 359 of the RUNX1 protein (p.Pro359Arg).

Literature cited by the submitters: PubMed 34166225 (cited by 3 submitters); PubMed 26580448 (cited by Ambry Genetics).